The following is an entry in ClinVar:

NM_001134407.3(GRIN2A):c.2063G>A (p.Gly688Glu)

Gene: GRIN2A (glutamate ionotropic receptor NMDA type subunit 2A; minus strand). Cytogenetic location: 16p13.2.
Variant type: single nucleotide variant.
Coding change: c.2063G>A on transcript NM_001134407.3 (MANE Select); coding-DNA position 2063, G replaced by A.
Protein change: p.Gly688Glu; replaces glycine 688 with glutamic acid.
Molecular consequence: missense variant.
Genome position (GRCh38, 1-based): chr16:9,822,369, C>T on the plus strand (G>A on the coding strand, the complement: GRIN2A is on the minus strand). VCF-style: chr16-9822369-C-T. GRCh37 (hg19) VCF-style: chr16-9916226-C-T.
Other names: c.2063G>A, p.Gly688Glu (NM_000833.5, NM_001134408.2); short protein forms G688E.
Identifiers: ClinVar variation 2133781 (VCV002133781.4), dbSNP rs2141294973, ClinGen allele CA394797890.

ClinVar aggregate classification (germline): Uncertain significance (1 of 4 stars; one submission).

Conditions:
Landau-Kleffner syndrome (FESD). Also called: EPILEPSY, FOCAL, WITH SPEECH DISORDER AND WITH OR WITHOUT MENTAL RETARDATION; APHASIA, ACQUIRED, WITH EPILEPSY. Identifiers: Orphanet 1945, Orphanet 725, Orphanet 98818, MedGen C0282512, MONDO:0009509, OMIM 245570.

Submission:

Labcorp Genetics (formerly Invitae), Labcorp
Classification: Uncertain significance for Landau-Kleffner syndrome. Last evaluated: 2022-05-04. Review status: criteria provided, single submitter. Criteria: Invitae Variant Classification Sherloc (09022015). Collection method: clinical testing. Allele origin: germline.
Comment: In summary, the available evidence is currently insufficient to determine the role of this variant in disease. Therefore, it has been classified as a Variant of Uncertain Significance. Advanced modeling of protein sequence and biophysical properties (such as structural, functional, and spatial information, amino acid conservation, physicochemical variation, residue mobility, and thermodynamic stability) performed at Invitae indicates that this missense variant is expected to disrupt GRIN2A protein function. This variant has not been reported in the literature in individuals affected with GRIN2A-related conditions. This variant is not present in population databases (gnomAD no frequency). This sequence change replaces glycine, which is neutral and non-polar, with glutamic acid, which is acidic and polar, at codon 688 of the GRIN2A protein (p.Gly688Glu).